The following is an entry in ClinVar:

NM_001999.4(FBN2):c.4770T>G (p.Ser1590Arg)

Gene: FBN2 (fibrillin 2; minus strand). Cytogenetic location: 5q23.3.
Variant type: single nucleotide variant.
Coding change: c.4770T>G on transcript NM_001999.4 (MANE Select); coding-DNA position 4770, T replaced by G.
Protein change: p.Ser1590Arg; replaces serine 1590 with arginine.
Molecular consequence: missense variant.
Genome position (GRCh38, 1-based): chr5:128,312,743, A>C on the plus strand (T>G on the coding strand, the complement: FBN2 is on the minus strand). VCF-style: chr5-128312743-A-C. GRCh37 (hg19) VCF-style: chr5-127648435-A-C.
Other names: c.4770T>G (NM_001999.3); short protein forms S1590R.
Identifiers: ClinVar variation 1384016 (VCV001384016.9), dbSNP rs1295579995, ClinGen allele CA360746907.
Genomic context (GRCh38, chr5:128,312,743, plus strand): 5'-CAGAGAGCAGCAGCATGAAGAGCGACTGACGCCCACCCCGATCTCGGTGTTGCAAGACAG[A>C]CTCCCATCTCCTCGAGGTCCAAACTTCAGGTAGCAGTTGCCCACACGGTTGTCTGCAGAG-3'
Protein context (NP_001990.2, residues 1580-1600): YLKFGPRGDG[Ser1590Arg]LSCNTEIGVG

ClinVar aggregate classification (germline): Uncertain significance. Review status: criteria provided, single submitter (1 of 4 stars). 2 submissions from 2 submitters: Uncertain significance (1). 1 of the submissions does not count toward it. Last evaluated 2023-10-13.

Conditions:
FBN2-related disorder. Also called: FBN2-related condition.
Congenital contractural arachnodactyly (CCA). Also called: Beals-Hecht syndrome; Arthrogryposis, distal, type 9; BEALS SYNDROME. Identifiers: Orphanet 115, MedGen C0220668, MONDO:0007363, OMIM 121050.

Allele frequency attached by ClinVar (database versions not stated): gnomAD exomes below 0.00001; TOPMed below 0.00001.
gnomAD v4.1: 2 of 1,612,624 alleles (0.00012%); highest among the groups gnomAD compares: Non-Finnish European, 0.00017%; no homozygotes.

Submissions (2):

Labcorp Genetics (formerly Invitae), Labcorp
Classification: Uncertain significance for Congenital contractural arachnodactyly. Last evaluated: 2023-10-13. Review status: criteria provided, single submitter. Criteria: Invitae Variant Classification Sherloc (09022015). Collection method: clinical testing. Allele origin: germline.
Comment: This sequence change replaces serine, which is neutral and polar, with arginine, which is basic and polar, at codon 1590 of the FBN2 protein (p.Ser1590Arg). This variant is not present in population databases (gnomAD no frequency). This variant has not been reported in the literature in individuals affected with FBN2-related conditions. ClinVar contains an entry for this variant (Variation ID: 1384016). Advanced modeling of protein sequence and biophysical properties (such as structural, functional, and spatial information, amino acid conservation, physicochemical variation, residue mobility, and thermodynamic stability) performed at Invitae indicates that this missense variant is not expected to disrupt FBN2 protein function. In summary, the available evidence is currently insufficient to determine the role of this variant in disease. Therefore, it has been classified as a Variant of Uncertain Significance.

PreventionGenetics, part of Exact Sciences
Classification: Uncertain significance for FBN2-related condition. Last evaluated: 2024-08-29. Review status: no assertion criteria provided. Collection method: clinical testing. Allele origin: germline. Not counted in ClinVar's aggregate classification.
Comment: The FBN2 c.4770T>G variant is predicted to result in the amino acid substitution p.Ser1590Arg. To our knowledge, this variant has not been reported in the literature or in a large population database, indicating this variant is rare. At this time, the clinical significance of this variant is uncertain due to the absence of conclusive functional and genetic evidence.